The following is an entry in ClinVar:

ClinVar aggregate classification (germline): Likely benign (0 of 4 stars; one submission).

Conditions:
CRISPLD2-related disorder. Also called: CRISPLD2-related condition.

Allele frequency attached by ClinVar (database versions not stated): ESP Exome Variant Server 0.00046.
gnomAD v4.1: 188 of 1,613,580 alleles (0.012%); highest among the groups gnomAD compares: African/African-American, 0.24%; no homozygotes.

Submission:

PreventionGenetics, part of Exact Sciences
Classification: Likely benign for CRISPLD2-related condition. Last evaluated: 2019-07-09. Review status: no assertion criteria provided. Collection method: clinical testing. Allele origin: germline.
Comment: This variant is classified as likely benign based on ACMG/AMP sequence variant interpretation guidelines (Richards et al. 2015 PMID: 25741868, with internal and published modifications).

NM_031476.4(CRISPLD2):c.372G>C (p.Pro124=)

Gene: CRISPLD2 (cysteine rich secretory protein LCCL domain containing 2; plus strand). Cytogenetic location: 16q24.1.
Variant type: single nucleotide variant.
Coding change: c.372G>C on transcript NM_031476.4 (MANE Select); coding-DNA position 372, G replaced by C.
Protein change: p.Pro124=; no amino-acid change (proline 124 retained).
Molecular consequence: synonymous variant.
Genome position (GRCh38, 1-based): chr16:84,849,397, G>C. VCF-style: chr16-84849397-G-C. GRCh37 (hg19) VCF-style: chr16-84883003-G-C.
Identifiers: ClinVar variation 3044536 (VCV003044536.2), dbSNP rs140214661, ClinGen allele CA8211499.